The following is an entry in ClinVar:

NM_001080512.3(BICC1):c.1507G>A (p.Ala503Thr)

Gene: BICC1 (BicC family RNA binding protein 1; plus strand). Cytogenetic location: 10q21.1.
Variant type: single nucleotide variant.
Coding change: c.1507G>A on transcript NM_001080512.3 (MANE Select); coding-DNA position 1507, G replaced by A.
Protein change: p.Ala503Thr; replaces alanine 503 with threonine.
Molecular consequence: missense variant.
Genome position (GRCh38, 1-based): chr10:58,798,539, G>A. VCF-style: chr10-58798539-G-A. GRCh37 (hg19) VCF-style: chr10-60558299-G-A.
Other names: short protein forms A503T.
Identifiers: ClinVar variation 1968235 (VCV001968235.5), dbSNP rs910195323, ClinGen allele CA207279895.

ClinVar aggregate classification (germline): Uncertain significance (1 of 4 stars; one submission).

Allele frequency attached by ClinVar (database versions not stated): gnomAD exomes below 0.00001.
gnomAD v4.1: 2 of 1,609,018 alleles (0.00012%); highest among the groups gnomAD compares: Non-Finnish European, 0.000085%; no homozygotes.

Submission:

Labcorp Genetics (formerly Invitae), Labcorp
Classification: Uncertain significance. Last evaluated: 2022-12-22. Review status: criteria provided, single submitter. Criteria: Invitae Variant Classification Sherloc (09022015). Collection method: clinical testing. Allele origin: germline.
Comment: This variant has not been reported in the literature in individuals affected with BICC1-related conditions. This variant is present in population databases (no rsID available, gnomAD 0.0009%). This sequence change replaces alanine, which is neutral and non-polar, with threonine, which is neutral and polar, at codon 503 of the BICC1 protein (p.Ala503Thr). Algorithms developed to predict the effect of missense changes on protein structure and function (SIFT, PolyPhen-2, Align-GVGD) all suggest that this variant is likely to be tolerated. In summary, the available evidence is currently insufficient to determine the role of this variant in disease. Therefore, it has been classified as a Variant of Uncertain Significance.